The following is an entry in ClinVar:

NM_000218.3(KCNQ1):c.1263A>G (p.Lys421=)

Gene: KCNQ1 (potassium voltage-gated channel subfamily Q member 1; plus strand). Cytogenetic location: 11p15.5.
Variant type: single nucleotide variant.
Coding change: c.1263A>G on transcript NM_000218.3 (MANE Select); coding-DNA position 1263, A replaced by G.
Protein change: p.Lys421=; no amino-acid change (lysine 421 retained).
Molecular consequence: synonymous variant.
Genome position (GRCh38, 1-based): chr11:2,588,724, A>G. VCF-style: chr11-2588724-A-G. GRCh37 (hg19) VCF-style: chr11-2609954-A-G.
Other names: c.1167A>G, p.Lys389= (NM_001406836.1); c.993A>G, p.Lys331= (NM_001406837.1); c.723A>G, p.Lys241= (NM_001406838.1); c.882A>G, p.Lys294= (NM_181798.2).
Identifiers: ClinVar variation 729810 (VCV000729810.18), dbSNP rs765645573, ClinGen allele CA028421.

ClinVar aggregate classification (germline): Likely benign. Review status: criteria provided, multiple submitters, no conflicts (2 of 4 stars). 5 submissions from 5 submitters: Likely benign (5). Last evaluated 2026-01-16.

Conditions:
Cardiovascular phenotype. Identifiers: MedGen CN230736.
Cardiac arrhythmia. Also called: Arrhythmia; Cardiac rhythm disease. Identifiers: MedGen C0003811, MONDO:0007263, HP:0011675.
Long QT syndrome (LQTS). Identifiers: MedGen C0023976, MeSH D008133, MONDO:0002442. Disease mechanism: loss of function. Inheritance: Various modes of inheritance.

Allele frequency attached by ClinVar (database versions not stated): ExAC 0.00001; gnomAD 0.00001; TOPMed 0.00002.
gnomAD v4.1: 3 of 1,613,554 alleles (0.00019%); highest among the groups gnomAD compares: African/African-American, 0.004%; no homozygotes.

Submissions (5):

Labcorp Genetics (formerly Invitae), Labcorp
Classification: Likely benign for Long QT syndrome. Last evaluated: 2026-01-16. Review status: criteria provided, single submitter. Criteria: Invitae Variant Classification Sherloc (09022015). Collection method: clinical testing. Allele origin: germline.

ARUP Laboratories, Molecular Genetics and Genomics, ARUP Laboratories
Classification: Likely benign. Last evaluated: 2025-03-21. Review status: criteria provided, single submitter. Criteria: ARUP Molecular Germline Variant Investigation Process 2024. Collection method: clinical testing. Allele origin: germline.

All of Us Research Program, National Institutes of Health
Classification: Likely benign for Long QT syndrome. Last evaluated: 2024-05-09. Review status: criteria provided, single submitter. Criteria: ACMG Guidelines, 2015. Collection method: clinical testing. Allele origin: germline. Inheritance: Autosomal dominant inheritance. Observed: 1 variant allele, 1 heterozygote.
Comment: This study involves interpretation of variants in research participants for the purpose of population health screening. Participant phenotype was not available at the time of variant classification. Additional details can be found in publication PMID: 35346344, PMCID: PMC8962531

Ambry Genetics
Classification: Likely benign for Cardiovascular phenotype. Last evaluated: 2023-10-29. Review status: criteria provided, single submitter. Criteria: Ambry Variant Classification Scheme 2023. Collection method: clinical testing. Allele origin: germline.

Color Diagnostics, LLC DBA Color Health
Classification: Likely benign for Arrhythmia. Last evaluated: 2018-11-27. Review status: criteria provided, single submitter. Criteria: ACMG Guidelines, 2015. Collection method: clinical testing. Allele origin: germline.